The following is an entry in ClinVar:

NM_005896.4(IDH1):c.1030G>A (p.Ala344Thr)

Gene: IDH1 (isocitrate dehydrogenase (NADP(+)) 1; minus strand). Cytogenetic location: 2q34.
Variant type: single nucleotide variant.
Coding change: c.1030G>A on transcript NM_005896.4 (MANE Select); coding-DNA position 1030, G replaced by A.
Protein change: p.Ala344Thr; replaces alanine 344 with threonine.
Molecular consequence: missense variant.
Genome position (GRCh38, 1-based): chr2:208,239,195, C>T on the plus strand (G>A on the coding strand, the complement: IDH1 is on the minus strand). VCF-style: chr2-208239195-C-T. GRCh37 (hg19) VCF-style: chr2-209103919-C-T.
Other names: c.1030G>A, p.Ala344Thr (NM_001282386.1, NM_001282387.1); short protein forms A344T.
Identifiers: ClinVar variation 2587382 (VCV002587382.2), dbSNP rs1687872390, ClinGen allele CA350094724.

ClinVar aggregate classification (germline): Uncertain significance (1 of 4 stars; one submission).

Allele frequency attached by ClinVar (database versions not stated): TOPMed below 0.00001.

Submission:

Ambry Genetics
Classification: Uncertain significance. Last evaluated: 2023-08-29. Review status: criteria provided, single submitter. Criteria: Ambry Variant Classification Scheme 2023. Collection method: clinical testing. Allele origin: germline.
Comment: The p.A344T variant (also known as c.1030G>A), located in coding exon 7 of the IDH1 gene, results from a G to A substitution at nucleotide position 1030. The alanine at codon 344 is replaced by threonine, an amino acid with similar properties. This amino acid position is conserved. In addition, the in silico prediction for this alteration is inconclusive. Since supporting evidence is limited at this time, the clinical significance of this alteration remains unclear.